The following is an entry in ClinVar:

NM_052874.5(STX1B):c.325T>C (p.Ser109Pro)

Gene: STX1B (syntaxin 1B; minus strand). Cytogenetic location: 16p11.2.
Variant type: single nucleotide variant.
Coding change: c.325T>C on transcript NM_052874.5 (MANE Select); coding-DNA position 325, T replaced by C.
Protein change: p.Ser109Pro; replaces serine 109 with proline.
Molecular consequence: missense variant.
Genome position (GRCh38, 1-based): chr16:30,997,531, A>G on the plus strand (T>C on the coding strand, the complement: STX1B is on the minus strand). VCF-style: chr16-30997531-A-G. GRCh37 (hg19) VCF-style: chr16-31008852-A-G.
Other names: short protein forms S109P.
Identifiers: ClinVar variation 2572700 (VCV002572700.3), dbSNP rs776806230, ClinGen allele CA395649662.

ClinVar aggregate classification (germline): Uncertain significance. Review status: criteria provided, multiple submitters, no conflicts (2 of 4 stars). 2 submissions from 2 submitters: Uncertain significance (2). Last evaluated 2024-07-23.

Conditions:
Generalized epilepsy with febrile seizures plus, type 9 (GEFSP9). Also called: GEFS+, TYPE 9. Identifiers: Orphanet 36387, MedGen C4015395, MONDO:0014517, OMIM 616172.

Submissions (2):

Labcorp Genetics (formerly Invitae), Labcorp
Classification: Uncertain significance for Generalized epilepsy with febrile seizures plus, type 9. Last evaluated: 2024-07-23. Review status: criteria provided, single submitter. Criteria: Invitae Variant Classification Sherloc (09022015). Collection method: clinical testing. Allele origin: germline.
Comment: This sequence change replaces serine, which is neutral and polar, with proline, which is neutral and non-polar, at codon 109 of the STX1B protein (p.Ser109Pro). This variant is not present in population databases (gnomAD no frequency). This variant has not been reported in the literature in individuals affected with STX1B-related conditions. ClinVar contains an entry for this variant (Variation ID: 2572700). Advanced modeling of protein sequence and biophysical properties (such as structural, functional, and spatial information, amino acid conservation, physicochemical variation, residue mobility, and thermodynamic stability) performed at Invitae indicates that this missense variant is not expected to disrupt STX1B protein function with a negative predictive value of 80%. In summary, the available evidence is currently insufficient to determine the role of this variant in disease. Therefore, it has been classified as a Variant of Uncertain Significance.

GeneDx
Classification: Uncertain significance. Last evaluated: 2023-01-15. Review status: criteria provided, single submitter. Criteria: GeneDx Variant Classification Process June 2021. Collection method: clinical testing. Allele origin: germline. Affected: yes.
Comment: Not observed at significant frequency in large population cohorts (gnomAD); In silico analysis supports that this missense variant has a deleterious effect on protein structure/function; Has not been previously published as pathogenic or benign to our knowledge